The following is an entry in ClinVar:

NM_000393.5(COL5A2):c.1807G>A (p.Gly603Ser)

Gene: COL5A2 (collagen type V alpha 2 chain; minus strand). Cytogenetic location: 2q32.2.
Variant type: single nucleotide variant.
Coding change: c.1807G>A on transcript NM_000393.5 (MANE Select); coding-DNA position 1807, G replaced by A.
Protein change: p.Gly603Ser; replaces glycine 603 with serine.
Molecular consequence: missense variant.
Genome position (GRCh38, 1-based): chr2:189,063,234, C>T on the plus strand (G>A on the coding strand, the complement: COL5A2 is on the minus strand). VCF-style: chr2-189063234-C-T. GRCh37 (hg19) VCF-style: chr2-189927960-C-T.
Other names: short protein forms G603S.
Identifiers: ClinVar variation 4840797 (VCV004840797.2).

ClinVar aggregate classification (germline): Uncertain significance (1 of 4 stars; one submission).

Conditions:
Familial thoracic aortic aneurysm and aortic dissection (TAAD). Also called: Thoracic aortic aneurysms and dissections. Identifiers: Orphanet 91387, MedGen C4707243, MONDO:0019625.

gnomAD v4.1: 1 of 1,614,132 alleles (0.000062%); no homozygotes.

Submission:

Ambry Genetics
Classification: Uncertain significance for Familial thoracic aortic aneurysm and aortic dissection. Last evaluated: 2026-05-28. Review status: criteria provided, single submitter. Criteria: Ambry Variant Classification Scheme 2023. Collection method: clinical testing. Allele origin: germline.
Comment: The p.G603S variant (also known as c.1807G>A), located in coding exon 27 of the COL5A2 gene, results from a G to A substitution at nucleotide position 1807. The glycine at codon 603 is replaced by serine, an amino acid with similar properties. This amino acid position is conserved. In addition, this alteration is predicted to be deleterious by in silico analysis. Based on the available evidence, the clinical significance of this variant remains unclear.